The following is an entry in ClinVar:

NM_002755.4(MAP2K1):c.80A>G (p.Glu27Gly)

Gene: MAP2K1 (mitogen-activated protein kinase kinase 1; plus strand). Cytogenetic location: 15q22.31.
Variant type: single nucleotide variant.
Coding change: c.80A>G on transcript NM_002755.4 (MANE Select); coding-DNA position 80, A replaced by G.
Protein change: p.Glu27Gly; replaces glutamic acid 27 with glycine.
Molecular consequence: missense variant.
Genome position (GRCh38, 1-based): chr15:66,387,427, A>G. VCF-style: chr15-66387427-A-G. GRCh37 (hg19) VCF-style: chr15-66679765-A-G.
Other names: short protein forms E27G.
Identifiers: ClinVar variation 4680924 (VCV004680924.1).

ClinVar aggregate classification (germline): Uncertain significance (1 of 4 stars; one submission).

Submission:

GeneDx
Classification: Uncertain significance. Last evaluated: 2025-07-03. Review status: criteria provided, single submitter. Criteria: GeneDx Variant Classification Process June 2021. Collection method: clinical testing. Allele origin: germline. Affected: yes.
Comment: Has not been previously published as pathogenic or benign to our knowledge; Not observed at significant frequency in large population cohorts (gnomAD); In silico analysis suggests that this missense variant does not alter protein structure/function; Missense variants in this gene are a common cause of disease and they are underrepresented in the general population; This variant is associated with the following publications: (PMID: 29493581)